The following is an entry in ClinVar:

ClinVar aggregate classification (germline): Pathogenic/Likely pathogenic. Review status: criteria provided, multiple submitters, no conflicts (2 of 4 stars). 2 submissions from 2 submitters: Pathogenic (1); Likely pathogenic (1). Last evaluated 2020-07-28.

Conditions:
Progressive muscular dystrophy. Identifiers: Orphanet 206644, MedGen C4551827, MONDO:0016106.
Duchenne muscular dystrophy (DMD). Also called: MUSCULAR DYSTROPHY, PSEUDOHYPERTROPHIC PROGRESSIVE, DUCHENNE TYPE; Duchenne Muscular Dystrophy (DMD). Identifiers: Orphanet 98896, MedGen C0013264, MONDO:0010679, OMIM 310200.

Submissions (2):

Labcorp Genetics (formerly Invitae), Labcorp
Classification: Pathogenic for Duchenne muscular dystrophy. Last evaluated: 2020-07-28. Review status: criteria provided, single submitter. Criteria: Invitae Variant Classification Sherloc (09022015). Collection method: clinical testing. Allele origin: germline.
Comment: This sequence change creates a premature translational stop signal (p.Glu3032*) in the DMD gene. It is expected to result in an absent or disrupted protein product. This variant is not present in population databases (ExAC no frequency). This variant has not been reported in the literature in individuals with DMD-related conditions. ClinVar contains an entry for this variant (Variation ID: 650214). Loss-of-function variants in DMD are known to be pathogenic (PMID: 16770791, 25007885). For these reasons, this variant has been classified as Pathogenic.

Myriad Genetics, Inc.
Classification: Likely pathogenic for Progressive muscular dystrophy. Last evaluated: 2019-01-09. Review status: criteria provided, single submitter. Criteria: Myriad Autosomal Dominant, Autosomal Recessive and X-Linked Classification Criteria (2023). Collection method: clinical testing. Allele origin: unknown.
Comment: NM_004006.2(DMD):c.9094G>T(E3032*) is expected to be pathogenic in the context of dystrophinopathy (including Duchenne/Becker muscular dystrophy). This variant is predicted to lead to an abnormal or absent protein product due to the creation of a premature termination codon in DMD, a gene where loss-of-function variants are known to be pathogenic. Please note: this variant was assessed in the context of healthy population screening.

Literature cited by the submitters: PubMed 16770791 (cited by Labcorp Genetics (formerly Invitae), Labcorp); PubMed 25007885 (cited by Labcorp Genetics (formerly Invitae), Labcorp).

NM_004006.3(DMD):c.9094G>T (p.Glu3032Ter)

Gene: DMD (dystrophin; minus strand). Cytogenetic location: Xp21.2.
Variant type: single nucleotide variant.
Coding change: c.9094G>T on transcript NM_004006.3 (MANE Select); coding-DNA position 9094, G replaced by T.
Protein change: p.Glu3032Ter; replaces glutamic acid 3032 with a stop codon.
Molecular consequence: nonsense.
Genome position (GRCh38, 1-based): chrX:31,348,625, C>A on the plus strand (G>T on the coding strand, the complement: DMD is on the minus strand). VCF-style: chrX-31348625-C-A. GRCh37 (hg19) VCF-style: chrX-31366742-C-A.
Other names: c.9070G>T, p.Glu3024Ter (NM_000109.4); c.9082G>T, p.Glu3028Ter (NM_004009.3); c.8725G>T, p.Glu2909Ter (NM_004010.3); c.5071G>T, p.Glu1691Ter (NM_004011.4); c.5062G>T, p.Glu1688Ter (NM_004012.4); c.1714G>T, p.Glu572Ter (NM_004013.3, NM_004020.4, NM_004021.3 and 2 more transcripts); c.907G>T, p.Glu303Ter (NM_004014.3); short protein forms E3024*, E3032*, E3028*, E303*, E2909*, E572*, E1688*, E1691*.
Identifiers: ClinVar variation 650214 (VCV000650214.6), dbSNP rs72466562, ClinGen allele CA412653801.